The following is an entry in ClinVar:

NM_006915.3(RP2):c.512_521del (p.Trp171fs)

Gene: RP2 (RP2 activator of ARL3 GTPase; plus strand). Cytogenetic location: Xp11.3.
Variant type: Deletion.
Coding change: c.512_521del on transcript NM_006915.3 (MANE Select); coding-DNA positions 512 to 521, 10 bases deleted (GGAGTAACAT; older notation c.512_521delGGAGTAACAT).
Protein change: p.Trp171fs; shifts the reading frame from tryptophan 171.
Molecular consequence: frameshift variant.
Genome position (GRCh38, 1-based): chrX:46,853,885-46,853,894, GGAGTAACAT deleted; deleting any 10 consecutive bases within chrX:46,853,881-46,853,894 gives the same sequence; the c. name uses the placement nearest the transcript's 3' end. VCF-style (leftmost placement, unchanged base first): chrX-46853880-TACATGGAGTA-T. GRCh37 (hg19) VCF-style: chrX-46713315-TACATGGAGTA-T.
Other names: short protein forms W171fs.
Identifiers: ClinVar variation 1456525 (VCV001456525.6), dbSNP rs2147081404, ClinGen allele CA2573158921.
Genomic context (GRCh38, chrX:46,853,880, plus strand): 5'-ATGGTACTATCCTGAATTAGCTTTCCAGTTCAAAGATGCAGGGCTAAGTATCTTCAACAA[TACATGGAGTA>T]ACATTCATGACTTTACACCTGTGTCAGGAGAACTCAACTGGAGCCTTCTTCCAGAAGATG-3'

ClinVar aggregate classification (germline): Pathogenic (1 of 4 stars; one submission).

Submission:

Labcorp Genetics (formerly Invitae), Labcorp
Classification: Pathogenic. Last evaluated: 2022-07-06. Review status: criteria provided, single submitter. Criteria: Invitae Variant Classification Sherloc (09022015). Collection method: clinical testing. Allele origin: germline.
Comment: For these reasons, this variant has been classified as Pathogenic. ClinVar contains an entry for this variant (Variation ID: 1456525). This variant has not been reported in the literature in individuals affected with RP2-related conditions. This variant is not present in population databases (gnomAD no frequency). This sequence change creates a premature translational stop signal (p.Trp171Phefs*64) in the RP2 gene. It is expected to result in an absent or disrupted protein product. Loss-of-function variants in RP2 are known to be pathogenic (PMID: 11992260, 20625056).

Literature cited by the submitters: PubMed 11992260; PubMed 20625056.